The following is an entry in ClinVar:

ClinVar aggregate classification (germline): Likely benign (1 of 4 stars; one submission).

Conditions:
ETV5-related disorder. Also called: ETV5-related condition.

gnomAD v4.1: 654 of 1,586,994 alleles (0.041%); highest among the groups gnomAD compares: Non-Finnish European, 0.04%; 2 homozygotes.

Submission:

PreventionGenetics, part of Exact Sciences
Classification: Likely benign for ETV5-related condition. Last evaluated: 2025-12-13. Review status: criteria provided, single submitter. Criteria: ACMG Guidelines, 2015. Collection method: clinical testing. Allele origin: germline.
Comment: This variant is classified as likely benign based on ACMG/AMP sequence variant interpretation guidelines (Richards et al. 2015 PMID: 25741868, with internal and published modifications).

NM_004454.3(ETV5):c.486T>G (p.His162Gln)

Genes: ETV5 (ETS variant transcription factor 5; minus strand), ETV5-AS1 (ETV5 antisense RNA 1; plus strand). Cytogenetic location: 3q27.2.
Variant type: single nucleotide variant.
Coding change: c.486T>G on transcript NM_004454.3 (MANE Select); coding-DNA position 486, T replaced by G.
Protein change: p.His162Gln; replaces histidine 162 with glutamine.
Molecular consequence: missense variant.
Genome position (GRCh38, 1-based): chr3:186,079,981, A>C on the plus strand (T>G on the coding strand, the complement: ETV5 is on the minus strand). VCF-style: chr3-186079981-A-C. GRCh37 (hg19) VCF-style: chr3-185797770-A-C.
Other names: short protein forms H162Q.
Identifiers: ClinVar variation 4988295 (VCV004988295.1).